The following is an entry in ClinVar:

ClinVar aggregate classification (germline): Benign/Likely benign. Review status: criteria provided, multiple submitters, no conflicts (2 of 4 stars). 7 submissions from 7 submitters: Benign (6); Likely benign (1). Last evaluated 2026-02-01.

Conditions:
Upshaw-Schulman syndrome (TTP). Also called: THROMBOTIC THROMBOCYTOPENIC PURPURA, HEREDITARY; Congenital thrombotic thrombocytopenic purpura. Identifiers: Orphanet 93583, MedGen C1268935, MONDO:0010122, OMIM 274150.

Allele frequency attached by ClinVar (database versions not stated): gnomAD exomes 0.00162 and 0.00316; ExAC 0.00358; gnomAD 0.00689 and 0.00731; ESP Exome Variant Server 0.00792; 1000 Genomes Project 0.00819; TOPMed 0.00819; 1000 Genomes Project 30x 0.00828.
gnomAD v4.1: 3,491 of 1,613,516 alleles (0.22%); highest among the groups gnomAD compares: African/African-American, 2.2%; 31 homozygotes.

Submissions (7):

Labcorp Genetics (formerly Invitae), Labcorp
Classification: Benign. Last evaluated: 2026-02-01. Review status: criteria provided, single submitter. Criteria: Invitae Variant Classification Sherloc (09022015). Collection method: clinical testing. Allele origin: germline.

Blueprint Genetics
Classification: Likely benign. Last evaluated: 2024-11-25. Review status: criteria provided, single submitter. Criteria: ACMG Guidelines, 2015. Collection method: clinical testing. Allele origin: germline.

Mayo Clinic Laboratories, Mayo Clinic
Classification: Benign. Last evaluated: 2024-03-28. Review status: criteria provided, single submitter. Criteria: ACMG Guidelines, 2015. Collection method: clinical testing. Allele origin: germline. Observed: 56 variant alleles.
Comment: BS1, BS2, BP4, BP7

Genetic Services Laboratory, University of Chicago
Classification: Benign. Last evaluated: 2019-02-19. Review status: criteria provided, single submitter. Criteria: ACMG Guidelines, 2015. Collection method: clinical testing. Allele origin: germline. Affected: no.

Illumina Laboratory Services, Illumina
Classification: Benign for Upshaw-Schulman syndrome. Last evaluated: 2017-04-27. Review status: criteria provided, single submitter. Criteria: ICSL Variant Classification Criteria 13 December 2019. Collection method: clinical testing. Allele origin: germline.
Comment: This variant was observed as part of a predisposition screen in an ostensibly healthy population. A literature search was performed for the gene, cDNA change, and amino acid change (where applicable). Publications were found based on this search. The evidence from the literature, in combination with allele frequency data from public databases where available, was sufficient to rule this variant out of causing disease. Therefore, this variant is classified as benign.

Breakthrough Genomics
Classification: Benign. Review status: criteria provided, single submitter. Criteria: ACMG Guidelines, 2015. Collection method: not provided. Allele origin: germline. Inheritance: Autosomal recessive inheritance. Affected: yes.

PreventionGenetics, part of Exact Sciences
Classification: Benign. Review status: criteria provided, single submitter. Criteria: ACMG Guidelines, 2015. Collection method: clinical testing. Allele origin: germline.

Literature cited by the submitters: PubMed 23648131 (cited by Illumina Laboratory Services, Illumina); PubMed 12181489 (cited by Illumina Laboratory Services, Illumina); PubMed 19786614 (cited by Illumina Laboratory Services, Illumina); PubMed 18443791 (cited by Illumina Laboratory Services, Illumina).

NM_139027.6(ADAMTS13):c.357C>T (p.Ser119=)

Gene: ADAMTS13 (ADAM metallopeptidase with thrombospondin type 1 motif 13; plus strand). Cytogenetic location: 9q34.2.
Variant type: single nucleotide variant.
Coding change: c.357C>T on transcript NM_139027.6 (MANE Select); coding-DNA position 357, C replaced by T.
Protein change: p.Ser119=; no amino-acid change (serine 119 retained).
Molecular consequence: synonymous variant. On other transcripts: non-coding transcript variant (1).
Genome position (GRCh38, 1-based): chr9:133,425,555, C>T. VCF-style: chr9-133425555-C-T. GRCh37 (hg19) VCF-style: chr9-136290675-C-T.
Other names: p.Ser119=; c.357C>T, p.Ser119= (NM_139025.5, NM_139026.6).
Identifiers: ClinVar variation 262447 (VCV000262447.20), dbSNP rs147563206, ClinGen allele CA10587026.